The following is an entry in ClinVar:

ClinVar aggregate classification (germline): Uncertain significance (1 of 4 stars; one submission).

Conditions:
Familial temporal lobe epilepsy 7. Identifiers: Orphanet 101046, MedGen C4225327, MONDO:0014639, OMIM 616436.
Norman-Roberts syndrome (LIS2). Also called: Lissencephaly 2 (Norman-Roberts type). Identifiers: Orphanet 89844, MedGen C0796089, MONDO:0009760, OMIM 257320.

Submission:

Labcorp Genetics (formerly Invitae), Labcorp
Classification: Uncertain significance for Familial temporal lobe epilepsy 7; Norman-Roberts syndrome. Last evaluated: 2022-09-01. Review status: criteria provided, single submitter. Criteria: Invitae Variant Classification Sherloc (09022015). Collection method: clinical testing. Allele origin: germline.
Comment: In summary, the available evidence is currently insufficient to determine the role of this variant in disease. Therefore, it has been classified as a Variant of Uncertain Significance. Algorithms developed to predict the effect of missense changes on protein structure and function are either unavailable or do not agree on the potential impact of this missense change (SIFT: "Tolerated"; PolyPhen-2: "Probably Damaging"; Align-GVGD: "Class C0"). ClinVar contains an entry for this variant (Variation ID: 1417534). This variant has not been reported in the literature in individuals affected with RELN-related conditions. This variant is not present in population databases (gnomAD no frequency). This sequence change replaces tyrosine, which is neutral and polar, with serine, which is neutral and polar, at codon 1463 of the RELN protein (p.Tyr1463Ser).

NM_005045.4(RELN):c.4388A>C (p.Tyr1463Ser)

Gene: RELN (reelin; minus strand). Cytogenetic location: 7q22.1.
Variant type: single nucleotide variant.
Coding change: c.4388A>C on transcript NM_005045.4 (MANE Select); coding-DNA position 4388, A replaced by C.
Protein change: p.Tyr1463Ser; replaces tyrosine 1463 with serine.
Molecular consequence: missense variant.
Genome position (GRCh38, 1-based): chr7:103,574,215, T>G on the plus strand (A>C on the coding strand, the complement: RELN is on the minus strand). VCF-style: chr7-103574215-T-G. GRCh37 (hg19) VCF-style: chr7-103214662-T-G.
Other names: c.4388A>C, p.Tyr1463Ser (NM_173054.3); short protein forms Y1463S.
Identifiers: ClinVar variation 1417534 (VCV001417534.8), dbSNP rs1468303240, ClinGen allele CA368750931.
Genomic context (GRCh38, chr7:103,574,215, plus strand): 5'-AGAGATTTGCCATCGTTAAGTGTTCCACAGCCAGTTCCAACCTGGGCACCTGTTATCTTG[T>G]ACCACAGAGGGCTGAGCTTCCCCTCAAACCTATCGAACATCTCATTGTGATTGGGGACAT-3'
Protein context (NP_005036.2, residues 1453-1473): RFEGKLSPLW[Tyr1463Ser]KITGAQVGTG